The following is an entry in ClinVar:

NM_000059.4(BRCA2):c.4256_4257del (p.Lys1419fs)

Gene: BRCA2 (BRCA2 DNA repair associated; plus strand). Cytogenetic location: 13q13.1.
Variant type: Deletion.
Coding change: c.4256_4257del on transcript NM_000059.4 (MANE Select); coding-DNA positions 4256 to 4257, 2 bases deleted (AA; older notation c.4256_4257delAA).
Protein change: p.Lys1419fs; shifts the reading frame from lysine 1419.
Molecular consequence: frameshift variant.
Genome position (GRCh38, 1-based): chr13:32,338,611-32,338,612, AA deleted; deleting any 2 consecutive bases within chr13:32,338,609-32,338,612 gives the same sequence; the c. name uses the placement nearest the transcript's 3' end. VCF-style (leftmost placement, unchanged base first): chr13-32338608-TAA-T. GRCh37 (hg19) VCF-style: chr13-32912745-TAA-T.
Other names: c.4256_4257delAA, p.Lys1419Argfs (NM_001406719.1, NM_001406720.1); short protein forms K1419fs.
Identifiers: ClinVar variation 1739119 (VCV001739119.2), dbSNP rs1566229958, ClinGen allele CA609453787.

ClinVar aggregate classification (germline): Pathogenic (1 of 4 stars; one submission).

Conditions:
Hereditary cancer-predisposing syndrome. Also called: Hereditary Cancer Syndrome; Hereditary neoplastic syndrome; Neoplastic Syndromes, Hereditary; Tumor predisposition. Identifiers: Orphanet 140162, MedGen C0027672, MeSH D009386, MONDO:0015356.

Submission:

Ambry Genetics
Classification: Pathogenic for Hereditary cancer-predisposing syndrome. Last evaluated: 2020-08-24. Review status: criteria provided, single submitter. Criteria: Ambry Variant Classification Scheme 2023. Collection method: clinical testing. Allele origin: germline.
Comment: The c.4256_4257delAA variant, located in coding exon 10 of the BRCA2 gene, results from a deletion of two nucleotides at nucleotide positions 4256 to 4257, causing a translational frameshift with a predicted alternate stop codon (p.K1419Rfs*3). This alteration is expected to result in loss of function by premature protein truncation or nonsense-mediated mRNA decay. As such, this alteration is interpreted as a disease-causing mutation.